The following is an entry in ClinVar:

ClinVar aggregate classification (germline): Uncertain significance. Review status: criteria provided, multiple submitters, no conflicts (2 of 4 stars). 2 submissions from 2 submitters: Uncertain significance (2). Last evaluated 2025-05-05.

Conditions:
Myopathy, proximal, and ophthalmoplegia (CMYO6). Also called: INCLUSION BODY MYOPATHY 3, AUTOSOMAL DOMINANT; MYOPATHY WITH CONGENITAL JOINT CONTRACTURES, OPHTHALMOPLEGIA, AND RIMMED VACUOLES; CONGENITAL MYOPATHY 6 WITH OPHTHALMOPLEGIA. Identifiers: Orphanet 363677, Orphanet 79091, MedGen C1854106, MONDO:0011577, OMIM 605637.

Submissions (2):

GeneDx
Classification: Uncertain significance. Last evaluated: 2025-05-05. Review status: criteria provided, single submitter. Criteria: GeneDx Variant Classification Process June 2021. Collection method: clinical testing. Allele origin: germline. Affected: yes.
Comment: Not observed at significant frequency in large population cohorts (gnomAD); In silico analysis suggests that this missense variant does not alter protein structure/function; Has not been previously published as pathogenic or benign to our knowledge

Labcorp Genetics (formerly Invitae), Labcorp
Classification: Uncertain significance for Myopathy, proximal, and ophthalmoplegia. Last evaluated: 2023-12-09. Review status: criteria provided, single submitter. Criteria: Invitae Variant Classification Sherloc (09022015). Collection method: clinical testing. Allele origin: germline.
Comment: This sequence change replaces alanine, which is neutral and non-polar, with proline, which is neutral and non-polar, at codon 1302 of the MYH2 protein (p.Ala1302Pro). This variant is not present in population databases (gnomAD no frequency). This variant has not been reported in the literature in individuals affected with MYH2-related conditions. Advanced modeling of protein sequence and biophysical properties (such as structural, functional, and spatial information, amino acid conservation, physicochemical variation, residue mobility, and thermodynamic stability) performed at Invitae indicates that this missense variant is expected to disrupt MYH2 protein function with a positive predictive value of 80%. In summary, the available evidence is currently insufficient to determine the role of this variant in disease. Therefore, it has been classified as a Variant of Uncertain Significance.

NM_017534.6(MYH2):c.3904G>C (p.Ala1302Pro)

Genes: MYHAS (myosin heavy chain gene cluster antisense RNA; plus strand), MYH2 (myosin heavy chain 2; minus strand). Cytogenetic location: 17p13.1.
Variant type: single nucleotide variant.
Coding change: c.3904G>C on transcript NM_017534.6 (MANE Select); coding-DNA position 3904, G replaced by C.
Protein change: p.Ala1302Pro; replaces alanine 1302 with proline.
Molecular consequence: missense variant.
Genome position (GRCh38, 1-based): chr17:10,527,024, C>G on the plus strand (G>C on the coding strand, the complement: MYH2 is on the minus strand). VCF-style: chr17-10527024-C-G. GRCh37 (hg19) VCF-style: chr17-10430341-C-G.
Other names: c.3904G>C, p.Ala1302Pro (NM_001100112.2); c.3904G>C (NM_017534.5); short protein forms A1302P.
Identifiers: ClinVar variation 2955833 (VCV002955833.4), dbSNP rs2508421996, ClinGen allele CA398129325.